The following is an entry in ClinVar:

ClinVar aggregate classification (germline): Uncertain significance (1 of 4 stars; one submission).

Allele frequency attached by ClinVar (database versions not stated): gnomAD exomes below 0.00001; ExAC 0.00001.
gnomAD v4.1: 1 of 1,614,082 alleles (0.000062%); highest among the groups gnomAD compares: Non-Finnish European, 0.000085%; no homozygotes.

Submission:

Labcorp Genetics (formerly Invitae), Labcorp
Classification: Uncertain significance. Last evaluated: 2025-09-02. Review status: criteria provided, single submitter. Criteria: Invitae Variant Classification Sherloc (09022015). Collection method: clinical testing. Allele origin: germline.
Comment: This sequence change replaces alanine, which is neutral and non-polar, with serine, which is neutral and polar, at codon 516 of the ADAMTSL4 protein (p.Ala516Ser). This variant is present in population databases (rs760015413, gnomAD 0.0009%). This variant has not been reported in the literature in individuals affected with ADAMTSL4-related conditions. ClinVar contains an entry for this variant (Variation ID: 2971072). Invitae Evidence Modeling of protein sequence and biophysical properties (such as structural, functional, and spatial information, amino acid conservation, physicochemical variation, residue mobility, and thermodynamic stability) indicates that this missense variant is not expected to disrupt ADAMTSL4 protein function with a negative predictive value of 80%. In summary, the available evidence is currently insufficient to determine the role of this variant in disease. Therefore, it has been classified as a Variant of Uncertain Significance.

NM_019032.6(ADAMTSL4):c.1546G>T (p.Ala516Ser)

Genes: ADAMTSL4 (ADAMTS like 4; plus strand), ADAMTSL4-AS2 (ADAMTSL4 antisense RNA 2; minus strand). Cytogenetic location: 1q21.2.
Variant type: single nucleotide variant.
Coding change: c.1546G>T on transcript NM_019032.6 (MANE Select); coding-DNA position 1546, G replaced by T.
Protein change: p.Ala516Ser; replaces alanine 516 with serine.
Molecular consequence: missense variant.
Genome position (GRCh38, 1-based): chr1:150,556,336, G>T. VCF-style: chr1-150556336-G-T. GRCh37 (hg19) VCF-style: chr1-150528812-G-T.
Other names: c.1615G>T, p.Ala539Ser (NM_001288607.2, NM_001288608.2); c.1546G>T, p.Ala516Ser (NM_001378596.1, NM_025008.5); short protein forms A516S, A539S.
Identifiers: ClinVar variation 2971072 (VCV002971072.3), dbSNP rs760015413, ClinGen allele CA1078297.